The following is an entry in ClinVar:

ClinVar aggregate classification (germline): Benign/Likely benign. Review status: criteria provided, multiple submitters, no conflicts (2 of 4 stars). 3 submissions from 3 submitters: Benign (1); Likely benign (2). Last evaluated 2026-07-23.

Conditions:
Hereditary cancer-predisposing syndrome. Also called: Tumor predisposition; Neoplastic Syndromes, Hereditary; Hereditary Cancer Syndrome; Hereditary neoplastic syndrome. Identifiers: Orphanet 140162, MedGen C0027672, MeSH D009386, MONDO:0015356.
Rhabdoid tumor predisposition syndrome 2 (RTPS2). Identifiers: Orphanet 231108, Orphanet 69077, MedGen C2750074, MONDO:0013224, OMIM 613325.

Allele frequency attached by ClinVar (database versions not stated): TOPMed below 0.00001; gnomAD exomes below 0.00001; gnomAD 0.00001.
gnomAD v4.1: 4 of 1,614,008 alleles (0.00025%); highest among the groups gnomAD compares: Non-Finnish European, 0.00025%; no homozygotes.

Submissions (3):

Myriad Genetics, Inc.
Classification: Benign for Rhabdoid tumor predisposition syndrome 2. Last evaluated: 2026-07-23. Review status: criteria provided, single submitter. Criteria: Myriad Autosomal Dominant, Autosomal Recessive and X-Linked Classification Criteria (2023). Collection method: clinical testing. Allele origin: unknown.
Comment: This variant is considered benign. This variant is a silent/synonymous amino acid change and it is not expected to impact splicing.

Labcorp Genetics (formerly Invitae), Labcorp
Classification: Likely benign for Rhabdoid tumor predisposition syndrome 2. Last evaluated: 2025-11-23. Review status: criteria provided, single submitter. Criteria: Invitae Variant Classification Sherloc (09022015). Collection method: clinical testing. Allele origin: germline.

Ambry Genetics
Classification: Likely benign for Hereditary cancer-predisposing syndrome. Last evaluated: 2023-08-25. Review status: criteria provided, single submitter. Criteria: Ambry Variant Classification Scheme 2023. Collection method: clinical testing. Allele origin: germline.

NM_003072.5(SMARCA4):c.4557C>T (p.Tyr1519=)

Gene: SMARCA4 (SWI/SNF related BAF chromatin remodeling complex subunit ATPase 4; plus strand). Cytogenetic location: 19p13.2.
Variant type: single nucleotide variant.
Coding change: c.4557C>T on transcript NM_003072.5 (MANE Select); coding-DNA position 4557, C replaced by T.
Protein change: p.Tyr1519=; no amino-acid change (tyrosine 1519 retained).
Molecular consequence: synonymous variant. On other transcripts: non-coding transcript variant (1).
Genome position (GRCh38, 1-based): chr19:11,058,811, C>T. VCF-style: chr19-11058811-C-T. GRCh37 (hg19) VCF-style: chr19-11169487-C-T.
Other names: c.4557C>T, p.Tyr1519= (NM_001128844.3); c.4467C>T, p.Tyr1489= (NM_001128845.2); c.4464C>T, p.Tyr1488= (NM_001128846.2); c.4458C>T, p.Tyr1486= (NM_001128847.4, NM_001374457.1); c.4455C>T, p.Tyr1485= (NM_001128848.2); c.4653C>T, p.Tyr1551= (NM_001128849.3, NM_001387283.1).
Identifiers: ClinVar variation 537871 (VCV000537871.14), dbSNP rs1321535007, ClinGen allele CA505494956.
Genomic context (GRCh38, chr19:11,058,811, plus strand): 5'-GTCCTGAGGTAAGACCTGCTCCTCCCGTCCACTGCAGGAGCGCATTCGCAACCACAAGTA[C>T]CGCAGCCTCAACGACCTAGAGAAGGACGTCATGCTCCTGTGCCAGAACGCACAGACCTTC-3'
Protein context (NP_003063.2, residues 1509-1529): KIKERIRNHK[Tyr1519=]RSLNDLEKDV